The following is an entry in ClinVar:

NM_000751.3(CHRND):c.728G>A (p.Arg243His)

Gene: CHRND (cholinergic receptor nicotinic delta subunit; plus strand). Cytogenetic location: 2q37.1.
Variant type: single nucleotide variant.
Coding change: c.728G>A on transcript NM_000751.3 (MANE Select); coding-DNA position 728, G replaced by A.
Protein change: p.Arg243His; replaces arginine 243 with histidine.
Molecular consequence: missense variant. On other transcripts: intron variant (1).
Genome position (GRCh38, 1-based): chr2:232,530,047, G>A. VCF-style: chr2-232530047-G-A. GRCh37 (hg19) VCF-style: chr2-233394757-G-A.
Other names: c.683G>A, p.Arg228His (NM_001256657.2); c.425G>A, p.Arg142His (NM_001311196.2); c.239-1305G>A (NM_001311195.2); short protein forms R243H, R142H, R228H.
Identifiers: ClinVar variation 466196 (VCV000466196.13), dbSNP rs148869069, ClinGen allele CA2168126.

ClinVar aggregate classification (germline): Conflicting classifications of pathogenicity. Review status: criteria provided, conflicting classifications (1 of 4 stars). 3 submissions from 3 submitters: Uncertain significance (1); Likely benign (1). 1 of the submissions does not count toward it. Last evaluated 2024-10-15.

Conditions:
Lethal multiple pterygium syndrome (LMPS). Identifiers: Orphanet 33108, MedGen C1854678, MONDO:0009668, OMIM 253290.

Allele frequency attached by ClinVar (database versions not stated): gnomAD exomes 0.00003 and 0.00004; ExAC 0.00004; gnomAD 0.00017 and 0.00019; TOPMed 0.00023; ESP Exome Variant Server 0.00031.

Submissions (3):

Labcorp Genetics (formerly Invitae), Labcorp
Classification: Likely benign for Lethal multiple pterygium syndrome. Last evaluated: 2024-10-15. Review status: criteria provided, single submitter. Criteria: Invitae Variant Classification Sherloc (09022015). Collection method: clinical testing. Allele origin: germline.

Revvity Omics, Revvity
Classification: Uncertain significance. Last evaluated: 2023-06-01. Review status: criteria provided, single submitter. Criteria: ACMG Guidelines, 2015. Collection method: clinical testing. Allele origin: germline.

Department of Pathology and Laboratory Medicine, Sinai Health System
Classification: Uncertain significance. Review status: no assertion criteria provided. Collection method: clinical testing. Allele origin: unknown. Affected: yes. Study: The Canadian Open Genetics Repository (COGR). Not counted in ClinVar's aggregate classification.
Comment: The CHRND p.Arg142His variant was not identified in the literature nor was it identified in LOVD 3.0. The variant was identified in dbSNP (ID: rs148869069) and ClinVar (classified as uncertain significance by Invitae). The variant was identified in control databases in 17 of 282626 chromosomes at a frequency of 0.00006015 (Genome Aggregation Database March 6, 2019, v2.1.1). The variant was observed in the following populations: African in 10 of 24948 chromosomes (freq: 0.000401), European (non-Finnish) in 6 of 128962 chromosomes (freq: 0.000047) and South Asian in 1 of 30616 chromosomes (freq: 0.000033), but was not observed in the Latino, Ashkenazi Jewish, East Asian, European (Finnish), or Other populations. The p.Arg142 residue is conserved in mammals and computational analyses (PolyPhen-2, SIFT, AlignGVGD, BLOSUM, MutationTaster) provide inconsistent predictions regarding the impact to the protein; this information is not very predictive of pathogenicity. The variant occurs outside of the splicing consensus sequence and in silico or computational prediction software programs (SpliceSiteFinder, MaxEntScan, NNSPLICE, GeneSplicer) do not predict a difference in splicing. In summary, based on the above information the clinical significance of this variant cannot be determined with certainty at this time. This variant is classified as a variant of uncertain significance.